The following is an entry in ClinVar:

NM_014009.4(FOXP3):c.-23+148ATA[3]

Gene: FOXP3 (forkhead box P3; minus strand). Cytogenetic location: Xp11.23.
Variant type: Microsatellite.
Coding change: c.-23+148ATA[3] on transcript NM_014009.4 (MANE Select); three copies in a row of the 3-base unit ATA starting at c.-23+148; the reference has two copies in a row; one copy, 3 bases duplicated.
Molecular consequence: intron variant.
Genome position (GRCh38, 1-based): chrX:49,264,508-49,264,510, TAT duplicated on the plus strand (ATA on the coding strand, the reverse complement: FOXP3 is on the minus strand); duplicating any 3 consecutive bases within chrX:49,264,508-49,264,514 gives the same sequence; the position shown is the placement nearest the transcript's 3' end. VCF-style (leftmost placement, unchanged base first): chrX-49264507-C-CTAT. GRCh37 (hg19) VCF-style: chrX-49120966-C-CTAT.
Other names: c.-23+148ATA[3] (NM_001114377.2).
Identifiers: ClinVar variation 2688146 (VCV002688146.2), dbSNP rs3060515, ClinGen allele CA875964337.

ClinVar aggregate classification (germline): Benign (1 of 4 stars; one submission).

Submission:

Unidad de Genómica Garrahan, Hospital de Pediatría Garrahan
Classification: Benign. Last evaluated: 2024-01-24. Review status: criteria provided, single submitter. Criteria: ACMG Guidelines, 2015. Collection method: clinical testing. Allele origin: germline. Affected: no. Observed: 43 variant alleles.
Comment: This variant is classified as Benign based on local population frequency. This variant was detected in 45% of patients studied by a panel of primary immunodeficiencies. Number of patients: 43. Only high quality variants are reported.